The following is an entry in ClinVar:

ClinVar aggregate classification (germline): Pathogenic (1 of 4 stars; one submission).

Submission:

Labcorp Genetics (formerly Invitae), Labcorp
Classification: Pathogenic. Last evaluated: 2022-11-07. Review status: criteria provided, single submitter. Criteria: Invitae Variant Classification Sherloc (09022015). Collection method: clinical testing. Allele origin: germline.
Comment: For these reasons, this variant has been classified as Pathogenic. Retrotransposon insertions including LINE1 (L1), Alu, and SVA (SINE-VNTR-Alu) have been reported to be disease-causing through disruption of either a coding region or splice site (PMID: 19763152, 20307669, 22406018) and loss-of-function variants in NAA15 are known to be pathogenic (PMID: 28191889, 29656860). Algorithms developed to predict the effect of sequence changes on RNA splicing suggest that this variant may disrupt the consensus splice site. This variant has not been reported in the literature in individuals affected with NAA15-related conditions. This variant is not present in population databases (gnomAD no frequency). This sequence change inserts a large fragment of DNA, likely a transposable element, in exon 9 of the NAA15 gene (c.1000_1001ins?), causing a frameshift at codon 334 (p.Lys334fs). The exact size and sequence of the insertion cannot be determined by the current assay. However, the insertion is expected to result in an absent or disrupted protein product.

Literature cited by the submitters: PubMed 19763152; PubMed 20307669; PubMed 22406018; PubMed 28191889; PubMed 29656860.

NM_057175.5(NAA15):c.1000_1001insGGCCGGGCGCGGTGGCTCACGCCTGTAATCCCAGCACTTTGGGAGGCCGAGGCGGGCGGATCACGAGGTNNNNNNNNNNAAAAAAAAAAAAAAAAAAAAAAGATCATTATACA (p.Lys334fs)

Gene: NAA15 (N-alpha-acetyltransferase 15, NatA auxiliary subunit; plus strand). Cytogenetic location: 4q31.1.
Variant type: Insertion.
Coding change: c.1000_1001insGGCCGGGCGCGGTGGCTCACGCCTGTAATCCCAGCACTTTGGGAGGCCGAGGCGGGCGGATCACGAGGTNNNNNNNNNNAAAAAAAAAAAAAAAAAAAAAAGATCATTATACA on transcript NM_057175.5 (MANE Select); coding-DNA positions 1000 to 1001, GGCCGGGCGCGGTGGCTCACGCCTGTAATCCCAGCACTTTGGGAGGCCGAGGCGGGCGGATCACGAGGTNNNNNNNNNNAAAAAAAAAAAAAAAAAAAAAAGATCATTATACA inserted.
Protein change: p.Lys334fs; shifts the reading frame from lysine 334.
Molecular consequence: frameshift variant.
Genome position: GRCh38: chr4:139,351,597-139,351,598. GRCh37 (hg19): chr4:140,272,751-140,272,752.
Other names: c.1000_1001insGGCCGGGCGCGGTGGCTCACGCCTGTAATCCCAGCACTTTGGGAGGCCGAGGCGGGCGGATCACGAGGTNNNNNNNNNNAAAAAAAAAAAAAAAAAAAAAAGATCATTATACA, p.Lys334fs (NM_001410842.1); c.1000_1001insGGCCGGGCGCGGTGGCTCACGCCTGTAATCCCAGCACTTTGGGAGGCCGAGGCGGGCGGATCACGAGGTNNNNNNNNNNAAAAAAAAAAAAAAAAAAAAAAGATCATTATACA, p.Lys334Argfs (NM_025085.2); short protein forms K334fs.
Identifiers: ClinVar variation 2810233 (VCV002810233.3), dbSNP rs2530397518.